The following is an entry in ClinVar:

ClinVar aggregate classification (germline): Benign. Review status: criteria provided, multiple submitters, no conflicts (2 of 4 stars). 3 submissions from 3 submitters: Benign (3). Last evaluated 2026-02-01.

Conditions:
ABL1-related disorder. Also called: ABL1-related condition.

Allele frequency attached by ClinVar (database versions not stated): ESP Exome Variant Server 0.00008; gnomAD 0.00092 and 0.00141; gnomAD exomes 0.00148 and 0.00371; TOPMed 0.00215; ExAC 0.00360; 1000 Genomes Project 30x 0.00640; 1000 Genomes Project 0.00679.
gnomAD v4.1: 2,392 of 1,613,828 alleles (0.15%); highest among the groups gnomAD compares: East Asian, 3.4%; 33 homozygotes.

Submissions (3):

Labcorp Genetics (formerly Invitae), Labcorp
Classification: Benign. Last evaluated: 2026-02-01. Review status: criteria provided, single submitter. Criteria: Invitae Variant Classification Sherloc (09022015). Collection method: clinical testing. Allele origin: germline.

PreventionGenetics, part of Exact Sciences
Classification: Benign for ABL1-related condition. Last evaluated: 2025-09-03. Review status: criteria provided, single submitter. Criteria: ACMG Guidelines, 2015. Collection method: clinical testing. Allele origin: germline.
Comment: This variant is classified as benign based on ACMG/AMP sequence variant interpretation guidelines (Richards et al. 2015 PMID: 25741868, with internal and published modifications).

Breakthrough Genomics
Classification: Benign. Review status: criteria provided, single submitter. Criteria: ACMG Guidelines, 2015. Collection method: not provided. Allele origin: germline. Inheritance: Autosomal dominant inheritance. Affected: yes.

NM_005157.6(ABL1):c.2958A>G (p.Pro986=)

Gene: ABL1 (ABL proto-oncogene 1, non-receptor tyrosine kinase; plus strand). Cytogenetic location: 9q34.12.
Variant type: single nucleotide variant.
Coding change: c.2958A>G on transcript NM_005157.6 (MANE Select); coding-DNA position 2958, A replaced by G.
Protein change: p.Pro986=; no amino-acid change (proline 986 retained).
Molecular consequence: synonymous variant.
Genome position (GRCh38, 1-based): chr9:130,885,248, A>G. VCF-style: chr9-130885248-A-G. GRCh37 (hg19) VCF-style: chr9-133760635-A-G.
Other names: c.3015A>G, p.Pro1005= (NM_007313.3).
Identifiers: ClinVar variation 786778 (VCV000786778.12), dbSNP rs35445683, ClinGen allele CA5285824.